The following is an entry in ClinVar:

NM_004260.4(RECQL4):c.3393+61_3461delinsAG

Gene: RECQL4 (RecQ like helicase 4; minus strand). Cytogenetic location: 8q24.3.
Variant type: Indel.
Coding change: c.3393+61_3461delinsAG on transcript NM_004260.4 (MANE Select); 61 bases into the intron after coding-DNA position 3393 through coding-DNA position 3461, the reference bases replaced by AG.
Molecular consequence: splice acceptor variant.
Genome position (GRCh38, 1-based): chr8:144,511,722-144,511,850, 129 bases replaced. GRCh37 (hg19): chr8:145,737,105-145,737,233.
Identifiers: ClinVar variation 2030135 (VCV002030135.4), dbSNP rs2537965574, ClinGen allele CA2580078774.

ClinVar aggregate classification (germline): Likely pathogenic (1 of 4 stars; one submission).

Conditions:
Baller-Gerold syndrome (BGS). Also called: CRANIOSYNOSTOSIS WITH RADIAL DEFECTS. Identifiers: Orphanet 1225, MedGen C0265308, MONDO:0009039, OMIM 218600.

Submission:

Labcorp Genetics (formerly Invitae), Labcorp
Classification: Likely pathogenic for Baller-Gerold syndrome. Last evaluated: 2022-09-12. Review status: criteria provided, single submitter. Criteria: Invitae Variant Classification Sherloc (09022015). Collection method: clinical testing. Allele origin: germline.
Comment: In summary, the currently available evidence indicates that the variant is pathogenic, but additional data are needed to prove that conclusively. Therefore, this variant has been classified as Likely Pathogenic. This variant has not been reported in the literature in individuals affected with RECQL4-related conditions. This variant is not present in population databases (gnomAD no frequency). This variant results in the deletion of part of exon 20 (c.3394-61_3461delinsAG) of the RECQL4 gene. It is expected to disrupt RNA splicing. Variants that disrupt the donor or acceptor splice site typically lead to a loss of protein function (PMID: 16199547), and loss-of-function variants in RECQL4 are known to be pathogenic (PMID: 12734318, 12952869).

Literature cited by the submitters: PubMed 16199547; PubMed 12734318; PubMed 12952869.